The following is an entry in ClinVar:

NM_004463.3(FGD1):c.935C>T (p.Pro312Leu)

Gene: FGD1 (FYVE, RhoGEF and PH domain containing 1; minus strand). Cytogenetic location: Xp11.22.
Variant type: single nucleotide variant.
Coding change: c.935C>T on transcript NM_004463.3 (MANE Select); coding-DNA position 935, C replaced by T.
Protein change: p.Pro312Leu; replaces proline 312 with leucine.
Molecular consequence: missense variant.
Genome position (GRCh38, 1-based): chrX:54,470,182, G>A on the plus strand (C>T on the coding strand, the complement: FGD1 is on the minus strand). VCF-style: chrX-54470182-G-A. GRCh37 (hg19) VCF-style: chrX-54496615-G-A.
Other names: short protein forms P312L.
Identifiers: ClinVar variation 10828 (VCV000010828.62), dbSNP rs28935498, ClinGen allele CA121191.

ClinVar aggregate classification (germline): Conflicting classifications of pathogenicity. Review status: criteria provided, conflicting classifications (1 of 4 stars). 12 submissions from 12 submitters: Uncertain significance (1); Benign (1); Likely benign (4). 6 of the submissions do not count toward it. Last evaluated 2025-12-01.

Conditions:
FGD1-related disorder. Also called: FGD1-related disorders; FGD1-related condition.
Russell-Silver syndrome. Identifiers: Orphanet 813, MedGen C0175693, MONDO:0008394.
Inborn genetic diseases. Identifiers: MedGen C0950123, MeSH D030342.
Aarskog syndrome (AAS). Also called: Aarskog Scott syndrome; Aarskog disease; Aarskog-Scott syndrome, X-linked; FGD1-Related Faciogenital Dysplasia (Aarskog-Scott Syndrome); FGDY. Identifiers: Orphanet 915, MedGen C0175701, MONDO:0010589, OMIM 305400.
Intellectual disability. Also called: Intellectual developmental disorder; Intellectual functioning disability; intellectual disabilities. Identifiers: MedGen C3714756, MeSH D008607, MONDO:0001071, HP:0001249.

Allele frequency attached by ClinVar (database versions not stated): 1000 Genomes Project 30x 0.00021; gnomAD exomes 0.00031 and 0.00081; gnomAD 0.00034 and 0.00035; ExAC 0.00036; TOPMed 0.00040.
gnomAD v4.1: 921 of 1,208,125 alleles (0.076%); highest among the groups gnomAD compares: Non-Finnish European, 0.099%; 1 homozygote.

Submissions (12):

Labcorp Genetics (formerly Invitae), Labcorp
Classification: Benign. Last evaluated: 2025-12-01. Review status: criteria provided, single submitter. Criteria: Invitae Variant Classification Sherloc (09022015). Collection method: clinical testing. Allele origin: germline.

CeGaT Center for Human Genetics Tuebingen
Classification: Likely benign. Last evaluated: 2025-10-01. Review status: criteria provided, single submitter. Criteria: CeGaT Center For Human Genetics Tuebingen Variant Classification Criteria Version 2. Collection method: clinical testing. Allele origin: germline. Affected: yes. Observed: 4 variant alleles.
Comment: FGD1: BS2

Blueprint Genetics
Classification: Likely benign. Last evaluated: 2024-11-13. Review status: criteria provided, single submitter. Criteria: ACMG Guidelines, 2015. Collection method: clinical testing. Allele origin: germline.

Cambridge Genomics Laboratory, East Genomic Laboratory Hub, NHS Genomic Medicine Service
Classification: Likely benign for Russell-Silver syndrome. Last evaluated: 2019-09-11. Review status: criteria provided, single submitter. Criteria: ACGS Best Practice Guidelines for Variant Classification in Rare Disease 2020. Collection method: clinical testing. Allele origin: germline. Affected: yes. Observed: 1 variant allele.

Center for Pediatric Genomic Medicine, Children's Mercy Hospital and Clinics
Classification: Likely benign. Last evaluated: 2016-04-19. Review status: criteria provided, single submitter. Criteria: ACMG Guidelines, 2015. Collection method: clinical testing. Allele origin: germline.
ClinVar note: Converted during submission from Likely Benign to Likely benign.

Ambry Genetics
Classification: Uncertain significance for Inborn genetic diseases. Last evaluated: 2015-09-23. Review status: criteria provided, single submitter. Criteria: Ambry Variant Classification Scheme 2023. Collection method: clinical testing. Allele origin: germline.
Comment: The p.P312L variant (also known as c.935C>T), located in coding exon 4 of the FGD1 gene, results from a C to T substitution at nucleotide position 935. The proline at codon 312 is replaced by leucine, an amino acid with similar properties. This variant was observed to co-segregate with disease in three affected male full siblings with intellectual disability, severe speech delays, macrocephaly, antitragus, open mouth, high arched palate, and short stature; The alteration was observed to be maternally inherited and was absent in two healthy maternal uncles (providing a LOD score of 0.9). This alteration was absent out of 300 X chromosomes from controls, 204 males and 48 females (Lebel, RR et al. Clin Genet 2002;61:139-145). This variant was previously reported in the SNPDatabase as rs28935498. Based on data from the 1000 Genomes Project, the T allele has an overall frequency of approximately 0% (0/503) total male alleles studied. Based on data from the NHLBI Exome Sequencing Project (ESP), the T allele has an overall frequency of approximately 0.08% (2/2440) total male alleles studied and 0.11% (2/1870) European American male alleles. This alteration occurs within the proline rich domain (PRD) at the N-terminus of the protein which is speculated to play a crucial role in the temporally and spatially regulated activation of the FGD1 protein (Genot, E et al. J Cell Sci 2012;125:3265-70, Oshima, T et al. Biol Pharm Bull 2011;34:54-60). Utilization of in silico analysis tools for secondary structure effect by Lebel et al 2002, predicted that a beta-turn in the protein structure is eliminated by this substitution and results in a two-fold increased lengthening of this coil region. Authors speculate that this beta-turn may serve as a linker between two domains of the protein, which may affect the orientations of an SH3 (Src homology 3) binding domain and the first structural conserved region. This amino acid position is not well conserved in available vertebrate species. In addition, this alteration is predicted to be tolerated by in silico analysis. Since clinical data on this variant is limited at this time, its clinical significance is unclear.

PreventionGenetics, part of Exact Sciences
Classification: Likely benign for FGD1-related condition. Last evaluated: 2023-12-21. Review status: no assertion criteria provided. Collection method: clinical testing. Allele origin: germline. Not counted in ClinVar's aggregate classification.
Comment: This variant is classified as likely benign based on ACMG/AMP sequence variant interpretation guidelines (Richards et al. 2015 PMID: 25741868, with internal and published modifications).

Centre de Biologie Pathologie Génétique, Centre Hospitalier Universitaire de Lille
Classification: Likely benign for Intellectual disability. Last evaluated: 2019-01-01. Review status: no assertion criteria provided. Collection method: clinical testing. Allele origin: inherited. Affected: yes. Not counted in ClinVar's aggregate classification.

OMIM
Classification: Uncertain significance for RECLASSIFIED - VARIANT OF UNKNOWN SIGNIFICANCE. Last evaluated: 2002-02-01. Review status: no assertion criteria provided. Collection method: literature only. Allele origin: germline. Not counted in ClinVar's aggregate classification.

Clinical Genetics DNA and cytogenetics Diagnostics Lab, Erasmus MC, Erasmus Medical Center
Classification: Likely benign. Review status: no assertion criteria provided. Collection method: clinical testing. Allele origin: germline. Affected: yes. Study: VKGL Data-share Consensus. Not counted in ClinVar's aggregate classification.

Diagnostic Laboratory, Department of Genetics, University Medical Center Groningen
Classification: Likely benign for Aarskog syndrome. Review status: no assertion criteria provided. Collection method: clinical testing. Allele origin: germline. Affected: yes. Study: VKGL Data-share Consensus. Not counted in ClinVar's aggregate classification.

Genome Diagnostics Laboratory, University Medical Center Utrecht
Classification: Likely benign. Review status: no assertion criteria provided. Collection method: clinical testing. Allele origin: germline. Affected: yes. Study: VKGL Data-share Consensus. Not counted in ClinVar's aggregate classification.

Literature cited by the submitters: PubMed 11940089 (cited by OMIM); PubMed 39900177 (cited by OMIM).